The following is an entry in ClinVar:

ClinVar aggregate classification (germline): Uncertain significance (1 of 4 stars; one submission).

Conditions:
Autosomal dominant childhood-onset proximal spinal muscular atrophy with contractures (SMALED2A). Also called: SPINAL MUSCULAR ATROPHY, LOWER EXTREMITY-PREDOMINANT, 2A, CHILDHOOD ONSET, AUTOSOMAL DOMINANT; Spinal muscular atrophy, lower extremity-predominant, 2A, autosomal dominant. Identifiers: Orphanet 363447, Orphanet 363454, MedGen C4747715, MONDO:0014121, OMIM 615290.

gnomAD v4.1: 2 of 1,613,104 alleles (0.00012%); highest among the groups gnomAD compares: Non-Finnish European, 0.00017%; no homozygotes.

Submission:

Labcorp Genetics (formerly Invitae), Labcorp
Classification: Uncertain significance for Autosomal dominant childhood-onset proximal spinal muscular atrophy with contractures. Last evaluated: 2024-08-28. Review status: criteria provided, single submitter. Criteria: Invitae Variant Classification Sherloc (09022015). Collection method: clinical testing. Allele origin: germline.
Comment: This sequence change replaces valine, which is neutral and non-polar, with leucine, which is neutral and non-polar, at codon 528 of the BICD2 protein (p.Val528Leu). This variant is present in population databases (no rsID available, gnomAD 0.0009%). This variant has not been reported in the literature in individuals affected with BICD2-related conditions. ClinVar contains an entry for this variant (Variation ID: 949380). Invitae Evidence Modeling of protein sequence and biophysical properties (such as structural, functional, and spatial information, amino acid conservation, physicochemical variation, residue mobility, and thermodynamic stability) indicates that this missense variant is not expected to disrupt BICD2 protein function with a negative predictive value of 80%. In summary, the available evidence is currently insufficient to determine the role of this variant in disease. Therefore, it has been classified as a Variant of Uncertain Significance.

NM_001003800.2(BICD2):c.1582G>T (p.Val528Leu)

Gene: BICD2 (BICD cargo adaptor 2; minus strand). Cytogenetic location: 9q22.31.
Variant type: single nucleotide variant.
Coding change: c.1582G>T on transcript NM_001003800.2 (MANE Select); coding-DNA position 1582, G replaced by T.
Protein change: p.Val528Leu; replaces valine 528 with leucine.
Molecular consequence: missense variant.
Genome position (GRCh38, 1-based): chr9:92,719,063, C>A on the plus strand (G>T on the coding strand, the complement: BICD2 is on the minus strand). VCF-style: chr9-92719063-C-A. GRCh37 (hg19) VCF-style: chr9-95481345-C-A.
Other names: c.1582G>T, p.Val528Leu (NM_015250.4); short protein forms V528L.
Identifiers: ClinVar variation 949380 (VCV000949380.8), dbSNP rs908773556, ClinGen allele CA374037039.